The following is an entry in ClinVar:

ClinVar aggregate classification (germline): Likely benign. Review status: criteria provided, multiple submitters, no conflicts (2 of 4 stars). 3 submissions from 3 submitters: Likely benign (3). Last evaluated 2025-06-19.

Allele frequency attached by ClinVar (database versions not stated): gnomAD 0.00004; TOPMed 0.00005; gnomAD exomes 0.00006; ExAC 0.00011.
gnomAD v4.1: 48 of 1,034,292 alleles (0.0046%); highest among the groups gnomAD compares: Non-Finnish European, 0.006%; no homozygotes.

Submissions (3):

Labcorp Genetics (formerly Invitae), Labcorp
Classification: Likely benign. Last evaluated: 2025-06-19. Review status: criteria provided, single submitter. Criteria: Invitae Variant Classification Sherloc (09022015). Collection method: clinical testing. Allele origin: germline.

Blueprint Genetics
Classification: Likely benign. Last evaluated: 2024-02-22. Review status: criteria provided, single submitter. Criteria: ACMG Guidelines, 2015. Collection method: clinical testing. Allele origin: germline.

GeneDx
Classification: Likely benign. Last evaluated: 2016-02-23. Review status: criteria provided, single submitter. Criteria: GeneDx Variant Classification (06012015). Collection method: clinical testing. Allele origin: germline. Affected: yes.
Comment: This variant is considered likely benign or benign based on one or more of the following criteria: it is a conservative change, it occurs at a poorly conserved position in the protein, it is predicted to be benign by multiple in silico algorithms, and/or has population frequency not consistent with disease.

NM_001349.4(DARS1):c.1308A>G (p.Gln436=)

Gene: DARS1 (aspartyl-tRNA synthetase 1; minus strand). Cytogenetic location: 2q21.3.
Variant type: single nucleotide variant.
Coding change: c.1308A>G on transcript NM_001349.4 (MANE Select); coding-DNA position 1308, A replaced by G.
Protein change: p.Gln436=; no amino-acid change (glutamine 436 retained).
Molecular consequence: synonymous variant.
Genome position (GRCh38, 1-based): chr2:135,911,416, T>C on the plus strand (A>G on the coding strand, the complement: DARS1 is on the minus strand). VCF-style: chr2-135911416-T-C. GRCh37 (hg19) VCF-style: chr2-136668986-T-C.
Other names: c.1008A>G, p.Gln336= (NM_001293312.1).
Identifiers: ClinVar variation 383481 (VCV000383481.3), dbSNP rs751541575, ClinGen allele CA1889502.